The following is an entry in ClinVar:

NM_000179.3(MSH6):c.3173-2A>C

Gene: MSH6 (mutS homolog 6; plus strand). Cytogenetic location: 2p16.3.
Variant type: single nucleotide variant.
Coding change: c.3173-2A>C on transcript NM_000179.3 (MANE Select); the canonical splice acceptor site of the intron before coding-DNA position 3173, A replaced by C.
Molecular consequence: splice acceptor variant. On other transcripts: intron variant (1).
Genome position (GRCh38, 1-based): chr2:47,803,418, A>C. VCF-style: chr2-47803418-A-C. GRCh37 (hg19) VCF-style: chr2-48030557-A-C.
Other names: c.3173-2A>C (NM_001406809.1, NM_001406796.1, NM_001406808.1 and 1 more transcripts); c.2267-2A>C (NM_001406811.1, NM_001406814.1, NM_001281493.2 and 6 more transcripts); c.2876-2A>C (NM_001406805.1, NM_001406797.1, NM_001406801.1 and 10 more transcripts); c.3269-2A>C (NM_001406795.1, NM_001406802.1); c.3179-2A>C (NM_001406813.1); c.2648-2A>C (NM_001406807.1, NM_001406799.1, NM_001406806.1); c.3173-176A>C (NM_001406798.1); c.2309-2A>C (NM_001406803.1); and 7 more.
Identifiers: ClinVar variation 525807 (VCV000525807.14), dbSNP rs1553331242, ClinGen allele CA346757808.
Genomic context (GRCh38, chr2:47,803,418, plus strand): 5'-AACACTTAGGCTGATAAAACCCCCAAACGATGAAGCCTCACTTTTACCCTCTCTTTTAAC[A>C]GATGTTTTACTGTGCCTGGCTAACTATAGTCGAGGGGGTGATGGTCCTATGTGTCGCCCA-3'

ClinVar aggregate classification (germline): Pathogenic/Likely pathogenic. Review status: criteria provided, multiple submitters, no conflicts (2 of 4 stars). 4 submissions from 4 submitters: Pathogenic (2); Likely pathogenic (2). Last evaluated 2025-05-12.

Conditions:
Hereditary cancer-predisposing syndrome. Also called: Neoplastic Syndromes, Hereditary; Tumor predisposition; Hereditary Cancer Syndrome; Hereditary neoplastic syndrome. Identifiers: Orphanet 140162, MedGen C0027672, MeSH D009386, MONDO:0015356.
Endometrial carcinoma. Also called: Endometrial carcinoma, somatic. Identifiers: MedGen C0476089, MONDO:0002447, OMIM 608089, HP:0012114.
Hereditary nonpolyposis colorectal neoplasms. Identifiers: MedGen C0009405, MeSH D003123.
Lynch syndrome 5 (LYNCH5). Also called: Colorectal cancer, hereditary nonpolyposis, type 5; Hereditary non-polyposis colorectal cancer, type 5. Identifiers: Orphanet 144, MedGen C1833477, MONDO:0013710, OMIM 614350. Disease mechanism: loss of function.

Allele frequency attached by ClinVar (database versions not stated): gnomAD exomes below 0.00001.

Submissions (4):

Ambry Genetics
Classification: Likely pathogenic for Hereditary cancer-predisposing syndrome. Last evaluated: 2025-05-12. Review status: criteria provided, single submitter. Criteria: Ambry Variant Classification Scheme 2023. Collection method: clinical testing. Allele origin: germline.
Comment: The c.3173-2A>C intronic variant results from an A to C substitution two nucleotides upstream from coding exon 5 in the MSH6 gene. This nucleotide position is highly conserved in available vertebrate species. In silico splice site analysis predicts that this alteration will weaken the native splice acceptor site. Based on the majority of available evidence to date, this variant is likely to be pathogenic.

Myriad Genetics, Inc.
Classification: Likely pathogenic for Lynch syndrome 5. Last evaluated: 2023-08-22. Review status: criteria provided, single submitter. Criteria: Myriad Autosomal Dominant, Autosomal Recessive and X-Linked Classification Criteria (2023). Collection method: clinical testing. Allele origin: unknown.
Comment: This variant is considered likely pathogenic. This variant occurs within a consensus splice junction and is predicted to result in abnormal mRNA splicing of either an out-of-frame exon or an in-frame exon necessary for protein stability and/or normal function.

Baylor Genetics
Classification: Pathogenic for Endometrial carcinoma. Last evaluated: 2023-04-26. Review status: criteria provided, single submitter. Criteria: ACMG Guidelines, 2015. Collection method: clinical testing. Allele origin: unknown.

Labcorp Genetics (formerly Invitae), Labcorp
Classification: Pathogenic for Hereditary nonpolyposis colorectal neoplasms. Last evaluated: 2022-10-28. Review status: criteria provided, single submitter. Criteria: Invitae Variant Classification Sherloc (09022015). Collection method: clinical testing. Allele origin: germline.
Comment: Algorithms developed to predict the effect of sequence changes on RNA splicing suggest that this variant may disrupt the consensus splice site. For these reasons, this variant has been classified as Pathogenic. ClinVar contains an entry for this variant (Variation ID: 525807). This sequence change affects an acceptor splice site in intron 4 of the MSH6 gene. It is expected to disrupt RNA splicing. Variants that disrupt the donor or acceptor splice site typically lead to a loss of protein function (PMID: 16199547), and loss-of-function variants in MSH6 are known to be pathogenic (PMID: 18269114, 24362816). This variant is not present in population databases (gnomAD no frequency). Disruption of this splice site has been observed in individual(s) with clinical features of Lynch syndrome (PMID: 22306203; Invitae). It has also been observed to segregate with disease in related individuals.

Literature cited by the submitters: PubMed 22306203 (cited by Ambry Genetics and Labcorp Genetics (formerly Invitae), Labcorp); PubMed 16199547 (cited by Labcorp Genetics (formerly Invitae), Labcorp); PubMed 18269114 (cited by Labcorp Genetics (formerly Invitae), Labcorp); PubMed 24362816 (cited by Labcorp Genetics (formerly Invitae), Labcorp).